The following is an entry in ClinVar:

ClinVar aggregate classification (germline): Uncertain significance. Review status: criteria provided, multiple submitters, no conflicts (2 of 4 stars). 2 submissions from 2 submitters: Uncertain significance (2). Last evaluated 2022-02-01.

Conditions:
Hereditary cancer-predisposing syndrome. Also called: Hereditary neoplastic syndrome; Tumor predisposition; Hereditary Cancer Syndrome; Neoplastic Syndromes, Hereditary. Identifiers: Orphanet 140162, MedGen C0027672, MeSH D009386, MONDO:0015356.
Birt-Hogg-Dube syndrome. Also called: Birt Hogg Dubé syndrome. Identifiers: Orphanet 122, MedGen C0346010, MONDO:0800444.

Submissions (2):

Ambry Genetics
Classification: Uncertain significance for Hereditary cancer-predisposing syndrome. Last evaluated: 2022-02-01. Review status: criteria provided, single submitter. Criteria: Ambry Variant Classification Scheme 2023. Collection method: clinical testing. Allele origin: germline.
Comment: The p.D281H variant (also known as c.841G>C), located in coding exon 5 of the FLCN gene, results from a G to C substitution at nucleotide position 841. The aspartic acid at codon 281 is replaced by histidine, an amino acid with similar properties. This amino acid position is conserved. In addition, this alteration is predicted to be deleterious by in silico analysis. Since supporting evidence is limited at this time, the clinical significance of this alteration remains unclear.

Labcorp Genetics (formerly Invitae), Labcorp
Classification: Uncertain significance for Birt-Hogg-Dube syndrome. Last evaluated: 2021-11-02. Review status: criteria provided, single submitter. Criteria: Invitae Variant Classification Sherloc (09022015). Collection method: clinical testing. Allele origin: germline.
Comment: In summary, the available evidence is currently insufficient to determine the role of this variant in disease. Therefore, it has been classified as a Variant of Uncertain Significance. Algorithms developed to predict the effect of missense changes on protein structure and function are either unavailable or do not agree on the potential impact of this missense change (SIFT: "Deleterious"; PolyPhen-2: "Probably Damaging"; Align-GVGD: "Class C0"). This variant has not been reported in the literature in individuals affected with FLCN-related conditions. This variant is not present in population databases (gnomAD no frequency). This sequence change replaces aspartic acid, which is acidic and polar, with histidine, which is basic and polar, at codon 281 of the FLCN protein (p.Asp281His).

NM_144997.7(FLCN):c.841G>C (p.Asp281His)

Gene: FLCN (folliculin; minus strand). Cytogenetic location: 17p11.2.
Variant type: single nucleotide variant.
Coding change: c.841G>C on transcript NM_144997.7 (MANE Select); coding-DNA position 841, G replaced by C.
Protein change: p.Asp281His; replaces aspartic acid 281 with histidine.
Molecular consequence: missense variant.
Genome position (GRCh38, 1-based): chr17:17,221,567, C>G on the plus strand (G>C on the coding strand, the complement: FLCN is on the minus strand). VCF-style: chr17-17221567-C-G. GRCh37 (hg19) VCF-style: chr17-17124881-C-G.
Other names: c.895G>C, p.Asp299His (NM_001353229.2); c.841G>C, p.Asp281His (NM_001353230.2, NM_001353231.2, NM_144606.7); short protein forms D299H, D281H.
Identifiers: ClinVar variation 1429405 (VCV001429405.8), dbSNP rs2047090106, ClinGen allele CA398533677.